The following is an entry in ClinVar:

NM_138413.4(HOGA1):c.*313A>C

Gene: HOGA1 (4-hydroxy-2-oxoglutarate aldolase 1; plus strand). Cytogenetic location: 10q24.2.
Variant type: single nucleotide variant.
Coding change: c.*313A>C on transcript NM_138413.4 (MANE Select); 313 bases downstream of the stop codon, A replaced by C.
Molecular consequence: 3 prime UTR variant.
Genome position (GRCh38, 1-based): chr10:97,611,972, A>C. VCF-style: chr10-97611972-A-C. GRCh37 (hg19) VCF-style: chr10-99371729-A-C.
Other names: c.*313A>C (NM_001134670.2).
Identifiers: ClinVar variation 301807 (VCV000301807.9), dbSNP rs933057, ClinGen allele CA10632981.

ClinVar aggregate classification (germline): Benign. Review status: criteria provided, multiple submitters, no conflicts (2 of 4 stars). 3 submissions from 3 submitters: Benign (3). Last evaluated 2019-08-20.

Conditions:
Primary hyperoxaluria type 3. Also called: PH III. Identifiers: Orphanet 416, Orphanet 93600, MedGen C3150878, MONDO:0013327, OMIM 613616. Disease mechanism: loss of function.

Allele frequency attached by ClinVar (database versions not stated): 1000 Genomes Project 0.18331; 1000 Genomes Project 30x 0.18535; TOPMed 0.24804; gnomAD exomes 0.25686; gnomAD 0.25981 and 0.26438.
gnomAD v4.1: 89,972 of 348,926 alleles (26%); highest among the groups gnomAD compares: Non-Finnish European, 31%; 13,458 homozygotes.

Submissions (3):

GeneDx
Classification: Benign. Last evaluated: 2019-08-20. Review status: criteria provided, single submitter. Criteria: GeneDx Variant Classification Process June 2021. Collection method: clinical testing. Allele origin: germline. Affected: yes.

Illumina Laboratory Services, Illumina
Classification: Benign for Primary hyperoxaluria type 3. Last evaluated: 2018-01-13. Review status: criteria provided, single submitter. Criteria: ICSL Variant Classification Criteria 13 December 2019. Collection method: clinical testing. Allele origin: germline.
Comment: This variant was observed in the ICSL laboratory as part of a predisposition screen in an ostensibly healthy population. It had not been previously curated by ICSL or reported in the Human Gene Mutation Database (HGMD: prior to June 1st, 2018), and was therefore a candidate for classification through an automated scoring system. Utilizing variant allele frequency, disease prevalence and penetrance estimates, and inheritance mode, an automated score was calculated to assess if this variant is too frequent to cause the disease. Based on the score and internal cut-off values, a variant classified as benign is not then subjected to further curation. The score for this variant resulted in a classification of benign for this disease.

Breakthrough Genomics
Classification: Benign. Review status: criteria provided, single submitter. Criteria: ACMG Guidelines, 2015. Collection method: not provided. Allele origin: germline. Inheritance: Autosomal recessive inheritance. Affected: yes.